The following is an entry in ClinVar:

NM_005076.5(CNTN2):c.1919A>C (p.Lys640Thr)

Gene: CNTN2 (contactin 2; plus strand). Cytogenetic location: 1q32.1.
Variant type: single nucleotide variant.
Coding change: c.1919A>C on transcript NM_005076.5 (MANE Select); coding-DNA position 1919, A replaced by C.
Protein change: p.Lys640Thr; replaces lysine 640 with threonine.
Molecular consequence: missense variant. On other transcripts: non-coding transcript variant (1).
Genome position (GRCh38, 1-based): chr1:205,066,543, A>C. VCF-style: chr1-205066543-A-C. GRCh37 (hg19) VCF-style: chr1-205035671-A-C.
Other names: c.1919A>C, p.Lys640Thr (NM_001346083.2); short protein forms K640T.
Identifiers: ClinVar variation 1992586 (VCV001992586.4), dbSNP rs2526397091, ClinGen allele CA344376393.
Genomic context (GRCh38, chr1:205,066,543, plus strand): 5'-GCGACACCACCATCCAGCTCAGCTGGAGCCGTGGCTTCGACAACCACAGCCCCATCGCTA[A>C]GTACACCCTGCAAGCTCGCACTCCACCTGCAGGGAAGTGGAAGCAGGTTCGGACCAGTAA-3'
Protein context (NP_005067.1, residues 630-650): RGFDNHSPIA[Lys640Thr]YTLQARTPPA

ClinVar aggregate classification (germline): Uncertain significance (1 of 4 stars; one submission).

Conditions:
Epilepsy, familial adult myoclonic, 5 (EPEO5). Also called: CORTICAL MYOCLONIC TREMOR WITH EPILEPSY, FAMILIAL, 5. Identifiers: Orphanet 86814, MedGen C3809374, MONDO:0014167, OMIM 615400.

Submission:

Labcorp Genetics (formerly Invitae), Labcorp
Classification: Uncertain significance for Epilepsy, familial adult myoclonic, 5. Last evaluated: 2022-05-10. Review status: criteria provided, single submitter. Criteria: Invitae Variant Classification Sherloc (09022015). Collection method: clinical testing. Allele origin: germline.
Comment: This sequence change replaces lysine, which is basic and polar, with threonine, which is neutral and polar, at codon 640 of the CNTN2 protein (p.Lys640Thr). This variant is not present in population databases (gnomAD no frequency). This variant has not been reported in the literature in individuals affected with CNTN2-related conditions. Advanced modeling of protein sequence and biophysical properties (such as structural, functional, and spatial information, amino acid conservation, physicochemical variation, residue mobility, and thermodynamic stability) performed at Invitae indicates that this missense variant is not expected to disrupt CNTN2 protein function. In summary, the available evidence is currently insufficient to determine the role of this variant in disease. Therefore, it has been classified as a Variant of Uncertain Significance.